The following is an entry in ClinVar:

ClinVar aggregate classification (germline): Uncertain significance (1 of 4 stars; one submission).

gnomAD v4.1: 1 of 1,612,070 alleles (0.000062%); highest among the groups gnomAD compares: South Asian, 0.0011%; no homozygotes.

Submission:

Labcorp Genetics (formerly Invitae), Labcorp
Classification: Uncertain significance. Last evaluated: 2024-07-16. Review status: criteria provided, single submitter. Criteria: Invitae Variant Classification Sherloc (09022015). Collection method: clinical testing. Allele origin: germline.
Comment: This sequence change replaces glutamine, which is neutral and polar, with proline, which is neutral and non-polar, at codon 533 of the MKL1 protein (p.Gln533Pro). This variant is present in population databases (rs747812349, gnomAD 0.003%). This variant has not been reported in the literature in individuals affected with MKL1-related conditions. An algorithm developed to predict the effect of missense changes on protein structure and function (PolyPhen-2) suggests that this variant is likely to be disruptive. In summary, the available evidence is currently insufficient to determine the role of this variant in disease. Therefore, it has been classified as a Variant of Uncertain Significance.

NM_020831.6(MRTFA):c.1898A>C (p.Gln633Pro)

Gene: MRTFA (myocardin related transcription factor A; minus strand). Cytogenetic location: 22q13.1.
Variant type: single nucleotide variant.
Coding change: c.1898A>C on transcript NM_020831.6 (MANE Select); coding-DNA position 1898, A replaced by C.
Protein change: p.Gln633Pro; replaces glutamine 633 with proline.
Molecular consequence: missense variant.
Genome position (GRCh38, 1-based): chr22:40,418,840, T>G on the plus strand (A>C on the coding strand, the complement: MRTFA is on the minus strand). VCF-style: chr22-40418840-T-G. GRCh37 (hg19) VCF-style: chr22-40814844-T-G.
Other names: c.1598A>C, p.Gln533Pro (NM_001282660.2); c.1748A>C, p.Gln583Pro (NM_001282661.3); c.1898A>C, p.Gln633Pro (NM_001282662.3); c.1703A>C, p.Gln568Pro (NM_001318139.2); short protein forms Q533P, Q568P, Q583P, Q633P.
Identifiers: ClinVar variation 3688391 (VCV003688391.2).